The following is an entry in ClinVar:

NM_004380.3(CREBBP):c.504G>A (p.Thr168=)

Gene: CREBBP (CREB binding lysine acetyltransferase; minus strand). Cytogenetic location: 16p13.3.
Variant type: single nucleotide variant.
Coding change: c.504G>A on transcript NM_004380.3 (MANE Select); coding-DNA position 504, G replaced by A.
Protein change: p.Thr168=; no amino-acid change (threonine 168 retained).
Molecular consequence: synonymous variant.
Genome position (GRCh38, 1-based): chr16:3,850,591, C>T on the plus strand (G>A on the coding strand, the complement: CREBBP is on the minus strand). VCF-style: chr16-3850591-C-T. GRCh37 (hg19) VCF-style: chr16-3900592-C-T.
Other names: c.504G>A, p.Thr168= (NM_001079846.1).
Identifiers: ClinVar variation 95051 (VCV000095051.13), dbSNP rs373310969, ClinGen allele CA222699.

ClinVar aggregate classification (germline): Conflicting classifications of pathogenicity. Review status: criteria provided, conflicting classifications (1 of 4 stars). 5 submissions from 5 submitters: Uncertain significance (1); Benign (1); Likely benign (2). 1 of the submissions does not count toward it. Last evaluated 2024-09-20.

Conditions:
CREBBP-related disorder. Also called: CREBBP-related condition; CREBBP-related disorders.
Rubinstein-Taybi syndrome (RSTS). Identifiers: Orphanet 783, MedGen C0035934, MONDO:0019188.

Allele frequency attached by ClinVar (database versions not stated): TOPMed below 0.00001; gnomAD 0.00001 and 0.00003; gnomAD exomes 0.00001; ExAC 0.00002; ESP Exome Variant Server 0.00008; 1000 Genomes Project 30x 0.00016; 1000 Genomes Project 0.00020.
gnomAD v4.1: 22 of 1,614,230 alleles (0.0014%); highest among the groups gnomAD compares: South Asian, 0.0066%; no homozygotes.

Submissions (5):

Women's Health and Genetics/Laboratory Corporation of America, LabCorp
Classification: Likely benign. Last evaluated: 2024-09-20. Review status: criteria provided, single submitter. Criteria: LabCorp Variant Classification Summary - May 2015. Collection method: clinical testing. Allele origin: germline.

Labcorp Genetics (formerly Invitae), Labcorp
Classification: Benign for Rubinstein-Taybi syndrome. Last evaluated: 2024-08-12. Review status: criteria provided, single submitter. Criteria: Invitae Variant Classification Sherloc (09022015). Collection method: clinical testing. Allele origin: germline.

Blueprint Genetics
Classification: Likely benign. Last evaluated: 2020-11-25. Review status: criteria provided, single submitter. Criteria: ACMG Guidelines, 2015. Collection method: clinical testing. Allele origin: germline.

Eurofins Ntd Llc (ga)
Classification: Uncertain significance. Last evaluated: 2013-04-30. Review status: criteria provided, single submitter. Criteria: EGL Classification Definitions 2015. Collection method: clinical testing. Allele origin: germline. Observed: 2 variant alleles, 2 heterozygotes.

PreventionGenetics, part of Exact Sciences
Classification: Likely benign for CREBBP-related condition. Last evaluated: 2021-12-30. Review status: no assertion criteria provided. Collection method: clinical testing. Allele origin: germline. Not counted in ClinVar's aggregate classification.
Comment: This variant is classified as likely benign based on ACMG/AMP sequence variant interpretation guidelines (Richards et al. 2015 PMID: 25741868, with internal and published modifications).